The following is an entry in ClinVar:

ClinVar aggregate classification (germline): Benign/Likely benign. Review status: criteria provided, multiple submitters, no conflicts (2 of 4 stars). 3 submissions from 3 submitters: Benign (1); Likely benign (2). Last evaluated 2025-07-30.

Conditions:
Pheochromocytoma/paraganglioma syndrome 5. Also called: Paragangliomas 5; SDHA-Related Hereditary Paraganglioma-Pheochromocytoma Syndrome. Identifiers: Orphanet 29072, MedGen C3279992, MONDO:0013602, OMIM 614165.
Mitochondrial complex II deficiency, nuclear type 1. Also called: SUCCINATE CoQ REDUCTASE DEFICIENCY. Identifiers: Orphanet 3208, MedGen C5700310, MONDO:0100294, OMIM 252011.
Hereditary cancer-predisposing syndrome. Also called: Tumor predisposition; Neoplastic Syndromes, Hereditary; Hereditary Cancer Syndrome; Hereditary neoplastic syndrome. Identifiers: Orphanet 140162, MedGen C0027672, MeSH D009386, MONDO:0015356.

gnomAD v4.1: 1 of 1,613,876 alleles (0.000062%); highest among the groups gnomAD compares: Non-Finnish European, 0.000085%; no homozygotes.

Submissions (3):

Labcorp Genetics (formerly Invitae), Labcorp
Classification: Likely benign for Pheochromocytoma/paraganglioma syndrome 5; Mitochondrial complex II deficiency, nuclear type 1. Last evaluated: 2025-07-30. Review status: criteria provided, single submitter. Criteria: Invitae Variant Classification Sherloc (09022015). Collection method: clinical testing. Allele origin: germline.

Myriad Genetics, Inc.
Classification: Benign for Pheochromocytoma/paraganglioma syndrome 5. Last evaluated: 2025-02-28. Review status: criteria provided, single submitter. Criteria: Myriad Autosomal Dominant, Autosomal Recessive and X-Linked Classification Criteria (2023). Collection method: clinical testing. Allele origin: unknown.
Comment: This variant is considered benign. This variant is a silent/synonymous amino acid change and it is not expected to impact splicing.

Ambry Genetics
Classification: Likely benign for Hereditary cancer-predisposing syndrome. Last evaluated: 2024-03-02. Review status: criteria provided, single submitter. Criteria: Ambry Variant Classification Scheme 2023. Collection method: clinical testing. Allele origin: germline.

NM_004168.4(SDHA):c.108T>C (p.Thr36=)

Gene: SDHA (succinate dehydrogenase complex flavoprotein subunit A; plus strand). Cytogenetic location: 5p15.33.
Variant type: single nucleotide variant.
Coding change: c.108T>C on transcript NM_004168.4 (MANE Select); coding-DNA position 108, T replaced by C.
Protein change: p.Thr36=; no amino-acid change (threonine 36 retained).
Molecular consequence: synonymous variant.
Genome position (GRCh38, 1-based): chr5:223,526, T>C. VCF-style: chr5-223526-T-C. GRCh37 (hg19) VCF-style: chr5-223641-T-C.
Other names: c.108T>C (NM_004168.2); c.108T>C, p.Thr36= (NM_001294332.2, NM_001330758.2).
Identifiers: ClinVar variation 1083319 (VCV001083319.11), dbSNP rs1301747916, ClinGen allele CA442689894.